The following is an entry in ClinVar:

NM_000152.5(GAA):c.655G>A (p.Gly219Arg)

Gene: GAA (alpha glucosidase; plus strand). Cytogenetic location: 17q25.3.
Variant type: single nucleotide variant.
Coding change: c.655G>A on transcript NM_000152.5 (MANE Select); coding-DNA position 655, G replaced by A.
Protein change: p.Gly219Arg; replaces glycine 219 with arginine.
Molecular consequence: missense variant.
Genome position (GRCh38, 1-based): chr17:80,105,857, G>A. VCF-style: chr17-80105857-G-A. GRCh37 (hg19) VCF-style: chr17-78079656-G-A.
Other names: c.655G>A (LRG_673t1, NM_000152.4); c.655G>A, p.Gly219Arg (NM_001079803.3, NM_001079804.3); short protein forms G219R.
Identifiers: ClinVar variation 189065 (VCV000189065.43), dbSNP rs370950728, ClinGen allele CA274334.

ClinVar aggregate classification (germline): Pathogenic. Review status: reviewed by expert panel (3 of 4 stars). 14 submissions from 14 submitters: Pathogenic (1). 13 of the submissions do not count toward it. Last evaluated 2025-09-09.

Conditions:
GAA-related disorder. Also called: GAA-related condition.
Glycogen storage disease. Also called: glycogen storage disorder; Disorder of glycogen metabolism. Identifiers: Orphanet 79201, MedGen C0017919, MONDO:0002412.
Glycogen storage disease, type II (IOPD). Also called: Glucosidase acid-1,4-alpha deficiency; CARDIOMEGALIA GLYCOGENICA DIFFUSA; GLYCOGENOSIS, GENERALIZED, CARDIAC FORM; GSD II; Glycogen storage disease type 2; Acid maltase deficiency disease. Identifiers: Orphanet 365, MedGen C0017921, MONDO:0009290, OMIM 232300.

Allele frequency attached by ClinVar (database versions not stated): gnomAD exomes 0.00001; ExAC 0.00002; TOPMed 0.00002; gnomAD 0.00005 and 0.00006; ESP Exome Variant Server 0.00008.
gnomAD v4.1: 23 of 1,605,726 alleles (0.0014%); highest among the groups gnomAD compares: African/African-American, 0.004%; no homozygotes.

Submissions 1 to 10 of 14:

ClinGen Lysosomal Storage Disorder Variant Curation Expert Panel
Classification: Pathogenic for Glycogen storage disease, type II. Last evaluated: 2025-09-09. Review status: reviewed by expert panel. Criteria: clingen_lsd_acmg_specifications_v2-1. Collection method: curation. Allele origin: germline. Inheritance: Autosomal recessive inheritance.
Comment: The NM_000152.5:c.655G>A variant i GAA is a missense variant that is predicted to result in the substitution of glycine by arginine at amino acid 219 (p.Gly219Arg). Over 20 individuals have been reported with this variant, at least 8 with GAA activity <10% normal in lymphocytes/leukocytes/muscle samples/<30% normal in cultured fibroblasts/ in the affected range in a clinically validated dried blood spot assay (PMIDs 11738358, 20033296, 23266370, 23601496, 24844452, 25037089, 25139343, 29124014) (PP4_Moderate). At least 12 individuals are compound heterozygous for the variant and another variant in GAA that has been classified by the ClinGen LD VCEP as as pathogenic for Pompe disease, phase unknown, including c.-32-13T>G (PMID: 21550241, 21753173, 24844452, 27711114, 30155607, 30564623; multiple individuals, max 2 x 0.5 points), c.169C>T (p.Gln57Ter) (PMID 29124014; 0.5 points), or c.2560C>T (p.Arg854Ter)(PMID 23266370; 0.5 points). At least 3 individuals are homozygous for the variant (PMID: 23787031, 25139343, 29289479, 30023291; max 2 x 0.5 points point). Total 3 points (PM3_Strong). Further individuals are compound heterozygous for the variant and either c.1735G>A (p.Glu579Lys) (PMIDs 23601496, 31193175), c.546G>A (PMID 25037089), c.784G>A (p.Glu262Lys) (PMID 11738358), c.923A>C (p.His308Pro) (PMID: 14695532), c.1796C>A (p.Ser599Tyr) (PMID: 18429042) or p.Trp376CysfsTer15 (PMID: 20033296). The allelic data for these patients will be used in the assessment of those respective variants and was not included here in order to avoid a circular logic. The highest population minor allele frequency in gnomAD v4.1.0. is 0.00004006 (3/74892 alleles) in the African/African American population, which is lower than the ClinGen LD VCEP threshold (<0.001) for PM2_Supporting, meeting this criterion (PM2_Supporting). When expressed in COS cells, this variant results in <2% wild type GAA activity and it is abnormally processed (PMIDs 14695532; 19862843) (PS3_Moderate). The computational predictor REVEL gives a score of 0.872 which is above the threshold of 0.7, evidence that correlates with impact to GAA function (PP3). There is a ClinVar entry for this variant (Variation ID 189065). In summary, this variant meets the criteria to be classified as pathogenic for Pompe disease. GAA-specific ACMG/AMP criteria met, based on the specifications of the ClinGen Lysosomal Diseases Variant Curation Expert Panel (Specifications Version 2.0.0): PM3_Strong, PS3_Moderate, PP4, Moderate, PP3, PM2_Supporting. (Classification approved by the ClinGen Lysosomal Diseases Variant Curation Expert Panel on Sept. 9, 2025).

Genomenon, Inc
Classification: Pathogenic for Glycogen storage disease, type II. Last evaluated: 2026-07-01. Review status: criteria provided, single submitter. Criteria: Genomenon Sequence Variant Interpretation Standards - Updated. Collection method: curation. Allele origin: germline. Affected: yes. Not counted in ClinVar's aggregate classification.
Comment: GAA p.Gly219Arg (c.655G>A) is a missense variant that changes the amino acid at codon 219 from Glycine to Arginine. This variant has been observed in at least one proband with a GAA-related disorder in the compound heterozygous and/or homozygous state (PMID:39835171;39273088;38958145;38250073;34501319;34020684;33301762;33073003;31899940). At least one functional study has demonstrated a substantial alteration in protein function relative to the wild-type (PMID:36246652;33560568;14695532). It is absent or not present at a significant frequency in gnomAD. In silico models predict that this variant is possibly or probably damaging. In conclusion, we classify GAA p.Gly219Arg (c.655G>A) as a pathogenic variant.

Labcorp Genetics (formerly Invitae), Labcorp
Classification: Pathogenic for Glycogen storage disease, type II. Last evaluated: 2025-09-08. Review status: criteria provided, single submitter. Criteria: Invitae Variant Classification Sherloc (09022015). Collection method: clinical testing. Allele origin: germline. Not counted in ClinVar's aggregate classification.
Comment: This sequence change replaces glycine, which is neutral and non-polar, with arginine, which is basic and polar, at codon 219 of the GAA protein (p.Gly219Arg). The frequency data for this variant in the population databases is considered unreliable, as metrics indicate poor data quality at this position in the gnomAD database. This missense change has been observed in individual(s) with Pompe disease, including individuals with low alpha-glucosidase enzyme activity (less than 40% of normal) (PMID: 11738358, 14695532, 18429042, 21550241, 23266370, 23601496, 23787031, 29124014). ClinVar contains an entry for this variant (Variation ID: 189065). Invitae Evidence Modeling of protein sequence and biophysical properties (such as structural, functional, and spatial information, amino acid conservation, physicochemical variation, residue mobility, and thermodynamic stability) indicates that this missense variant is expected to disrupt GAA protein function with a positive predictive value of 95%. Experimental studies have shown that this missense change affects GAA function (PMID: 14695532). For these reasons, this variant has been classified as Pathogenic.

Natera, Inc.
Classification: Pathogenic for Glycogen storage disease type II. Last evaluated: 2025-07-16. Review status: criteria provided, single submitter. Criteria: Natera Variant Classification Schema (03/2026). Collection method: clinical testing. Allele origin: germline. Not counted in ClinVar's aggregate classification.
Comment: The c.655G>A variant in GAA is a missense variant predicted to cause substitution of glycine to arginine at amino acid 219. This variant is rare in the general population with a frequency below the threshold expected for the associated phenotype(s). This variant has been observed in one or more individuals affected with the associated recessive disease, as either homozygous or compound heterozygous with a second variant (PMID: 34220802, 29124014, 31086307). Given the available evidence, this variant is classified as Pathogenic.

PreventionGenetics, part of Exact Sciences
Classification: Pathogenic for GAA-related condition. Last evaluated: 2025-06-18. Review status: criteria provided, single submitter. Criteria: ACMG Guidelines, 2015. Collection method: clinical testing. Allele origin: germline. Not counted in ClinVar's aggregate classification.
Comment: The GAA c.655G>A variant is predicted to result in the amino acid substitution p.Gly219Arg. This variant was reported in the homozygous and compound heterozygous state in multiple patients with clinical and biochemical features consistent with Pompe disease (Sacconi et al. 2014. PubMed ID: 24844452, Fernandez-Hojas et al. 2002. PubMed ID: 11738358, Prakalapakorn et al. 2014. PubMed ID: 25139343, Hermans et al. 2004. PubMed ID: 14695532). Functional characterization of the variant suggests it is deleterious (Hermans et al. 2004. PubMed ID: 14695532). This variant is reported in 0.0040% of alleles in individuals of African descent in gnomAD. This variant is classified as pathogenic in clinvar by the majority of submitters including the ClinGen Lysosomal Storage Disorder Variant Curation Expert Panel. This variant is interpreted as pathogenic.

North West Genomic Laboratory Hub, Manchester University NHS Foundation Trust
Classification: Pathogenic for Glycogen storage disease. Last evaluated: 2025-05-29. Review status: criteria provided, single submitter. Criteria: ACGS Best Practice Guidelines for Variant Classification in Rare Disease 2024. Collection method: clinical testing. Allele origin: germline. Affected: yes. Not counted in ClinVar's aggregate classification.
Comment: PM2_Mod PP3_Supp PP4_Str PM3_Str

Revvity Omics, Revvity
Classification: Pathogenic. Last evaluated: 2024-10-14. Review status: criteria provided, single submitter. Criteria: ACMG Guidelines, 2015. Collection method: clinical testing. Allele origin: germline. Not counted in ClinVar's aggregate classification.

Genomic Medicine Center of Excellence, King Faisal Specialist Hospital and Research Centre
Classification: Uncertain significance for Glycogen storage disease, type II. Last evaluated: 2024-03-14. Review status: criteria provided, single submitter. Criteria: ACMG Guidelines, 2015. Collection method: research. Allele origin: germline. Not counted in ClinVar's aggregate classification.

Fulgent Genetics
Classification: Pathogenic for Glycogen storage disease, type II. Last evaluated: 2024-01-04. Review status: criteria provided, single submitter. Criteria: ACMG Guidelines, 2015. Collection method: clinical testing. Allele origin: germline. Not counted in ClinVar's aggregate classification.

GeneDx
Classification: Pathogenic. Last evaluated: 2023-11-07. Review status: criteria provided, single submitter. Criteria: GeneDx Variant Classification Process June 2021. Collection method: clinical testing. Allele origin: germline. Affected: yes. Not counted in ClinVar's aggregate classification.
Comment: Published functional studies demonstrate a damaging effect with significant reduction of enzyme activity (PMID: 33560568, 14695532); Not observed at a significant frequency in large population cohorts (gnomAD); In silico analysis supports that this missense variant has a deleterious effect on protein structure/function; This variant is associated with the following publications: (PMID: 18429042, 34501319, 33301762, 30564623, 14695532, 21550241, 23601496, 21392261, 23266370, 20033296, 11738358, 24844452, 28648663, 31086307, 29122469, 32870709, 19343043, 22253258, 33560568, 23787031)